The following is an entry in ClinVar:

NM_001081550.2(THOC2):c.3773G>A (p.Ser1258Asn)

Gene: THOC2 (THO complex subunit 2; minus strand). Cytogenetic location: Xq25.
Variant type: single nucleotide variant.
Coding change: c.3773G>A on transcript NM_001081550.2 (MANE Select); coding-DNA position 3773, G replaced by A.
Protein change: p.Ser1258Asn; replaces serine 1258 with asparagine.
Molecular consequence: missense variant.
Genome position (GRCh38, 1-based): chrX:123,622,770, C>T on the plus strand (G>A on the coding strand, the complement: THOC2 is on the minus strand). VCF-style: chrX-123622770-C-T. GRCh37 (hg19) VCF-style: chrX-122756621-C-T.
Other names: short protein forms S1258N.
Identifiers: ClinVar variation 1328795 (VCV001328795.3), dbSNP rs2147594705, ClinGen allele CA414263311.

ClinVar aggregate classification (germline): Uncertain significance (1 of 4 stars; one submission).

Submission:

GeneDx
Classification: Uncertain significance. Last evaluated: 2025-03-07. Review status: criteria provided, single submitter. Criteria: GeneDx Variant Classification Process June 2021. Collection method: clinical testing. Allele origin: germline. Affected: yes.
Comment: Not observed at significant frequency in large population cohorts (gnomAD); In silico analysis indicates that this missense variant does not alter protein structure/function; Has not been previously published as pathogenic or benign to our knowledge